The following is an entry in ClinVar:

NM_002691.4(POLD1):c.1069C>G (p.Leu357Val)

Gene: POLD1 (DNA polymerase delta 1, catalytic subunit; plus strand). Cytogenetic location: 19q13.33.
Variant type: single nucleotide variant.
Coding change: c.1069C>G on transcript NM_002691.4 (MANE Select); coding-DNA position 1069, C replaced by G.
Protein change: p.Leu357Val; replaces leucine 357 with valine.
Molecular consequence: missense variant. On other transcripts: non-coding transcript variant (1).
Genome position (GRCh38, 1-based): chr19:50,403,151, C>G. VCF-style: chr19-50403151-C-G. GRCh37 (hg19) VCF-style: chr19-50906408-C-G.
Other names: c.1069C>G, p.Leu357Val (NM_001256849.1, NM_001308632.1); short protein forms L357V.
Identifiers: ClinVar variation 1782705 (VCV001782705.6), dbSNP rs766467152, ClinGen allele CA9596015.
Genomic context (GRCh38, chr19:50,403,151, plus strand): 5'-ATCTGCTCGCTGGGCCTGCGCTGGGGGGAGCCGGAGCCCTTCCTACGCCTGGCGCTCACC[C>G]TGCGGCCCTGTGCCCCCATCCTGGGTGCCAAGGTGCAGAGCTACGAGAAGGAGGAGGACC-3'
Protein context (NP_002682.2, residues 347-367): PEPFLRLALT[Leu357Val]RPCAPILGAK

ClinVar aggregate classification (germline): Uncertain significance. Review status: criteria provided, multiple submitters, no conflicts (2 of 4 stars). 2 submissions from 2 submitters: Uncertain significance (2). Last evaluated 2022-11-29.

Conditions:
POLD1-related polyposis and colorectal cancer syndrome (CRCS10). Also called: Colorectal cancer 10; COLORECTAL CANCER, SUSCEPTIBILITY TO, ON CHROMOSOME 19q; Colorectal cancer, susceptibility to, 10. Identifiers: Orphanet 220460, MedGen C2675481, MONDO:0012953, OMIM 612591.
Hereditary cancer-predisposing syndrome. Also called: Tumor predisposition; Hereditary Cancer Syndrome; Hereditary neoplastic syndrome; Neoplastic Syndromes, Hereditary. Identifiers: Orphanet 140162, MedGen C0027672, MeSH D009386, MONDO:0015356.

Allele frequency attached by ClinVar (database versions not stated): TOPMed below 0.00001; ExAC 0.00005.

Submissions (2):

Labcorp Genetics (formerly Invitae), Labcorp
Classification: Uncertain significance for POLD1-related polyposis and colorectal cancer syndrome. Last evaluated: 2022-11-29. Review status: criteria provided, single submitter. Criteria: Invitae Variant Classification Sherloc (09022015). Collection method: clinical testing. Allele origin: germline.
Comment: This sequence change replaces leucine, which is neutral and non-polar, with valine, which is neutral and non-polar, at codon 357 of the POLD1 protein (p.Leu357Val). This variant is present in population databases (rs766467152, gnomAD 0.004%). Advanced modeling of protein sequence and biophysical properties (such as structural, functional, and spatial information, amino acid conservation, physicochemical variation, residue mobility, and thermodynamic stability) performed at Invitae indicates that this missense variant is not expected to disrupt POLD1 protein function. In summary, the available evidence is currently insufficient to determine the role of this variant in disease. Therefore, it has been classified as a Variant of Uncertain Significance. This variant has not been reported in the literature in individuals affected with POLD1-related conditions.

Ambry Genetics
Classification: Uncertain significance for Hereditary cancer-predisposing syndrome. Last evaluated: 2021-08-19. Review status: criteria provided, single submitter. Criteria: Ambry Variant Classification Scheme 2023. Collection method: clinical testing. Allele origin: germline.
Comment: The p.L357V variant (also known as c.1069C>G), located in coding exon 8 of the POLD1 gene, results from a C to G substitution at nucleotide position 1069. The leucine at codon 357 is replaced by valine, an amino acid with highly similar properties. This amino acid position is conserved. In addition, this alteration is predicted to be tolerated by in silico analysis. Since supporting evidence is limited at this time, the clinical significance of this alteration remains unclear.